The following is an entry in ClinVar:

NM_001034853.2(RPGR):c.158A>G (p.Asn53Ser)

Gene: RPGR (retinitis pigmentosa GTPase regulator; minus strand). Cytogenetic location: Xp11.4.
Variant type: single nucleotide variant.
Coding change: c.158A>G on transcript NM_001034853.2 (MANE Select); coding-DNA position 158, A replaced by G.
Protein change: p.Asn53Ser; replaces asparagine 53 with serine.
Molecular consequence: missense variant. On other transcripts: non-coding transcript variant (6).
Genome position (GRCh38, 1-based): chrX:38,322,942, T>C on the plus strand (A>G on the coding strand, the complement: RPGR is on the minus strand). VCF-style: chrX-38322942-T-C. GRCh37 (hg19) VCF-style: chrX-38182195-T-C.
Other names: c.158A>G, p.Asn53Ser (NM_000328.3, NM_001367245.1, NM_001367246.1 and 4 more transcripts); c.188A>G, p.Asn63Ser (NM_001367248.1); short protein forms N53S, N63S.
Identifiers: ClinVar variation 2417115 (VCV002417115.15), dbSNP rs2519909643, ClinGen allele CA412745706.

ClinVar aggregate classification (germline): Uncertain significance (1 of 4 stars; one submission).

Conditions:
Primary ciliary dyskinesia. Also called: Ciliary dyskinesia. Identifiers: Orphanet 244, MedGen C0008780, MONDO:0016575, HP:0012265.

gnomAD v4.1: 1 of 1,192,228 alleles (0.000084%); no homozygotes.

Submissions (2):

Labcorp Genetics (formerly Invitae), Labcorp
Classification: Uncertain significance for Primary ciliary dyskinesia. Last evaluated: 2023-11-27. Review status: criteria provided, single submitter. Criteria: Invitae Variant Classification Sherloc (09022015). Collection method: clinical testing. Allele origin: germline.
Comment: This sequence change replaces asparagine, which is neutral and polar, with serine, which is neutral and polar, at codon 53 of the RPGR protein (p.Asn53Ser). This variant is not present in population databases (gnomAD no frequency). This variant has not been reported in the literature in individuals affected with RPGR-related conditions. ClinVar contains an entry for this variant (Variation ID: 2417115). Advanced modeling of protein sequence and biophysical properties (such as structural, functional, and spatial information, amino acid conservation, physicochemical variation, residue mobility, and thermodynamic stability) performed at Invitae indicates that this missense variant is not expected to disrupt RPGR protein function with a negative predictive value of 95%. In summary, the available evidence is currently insufficient to determine the role of this variant in disease. Therefore, it has been classified as a Variant of Uncertain Significance.

Dr. Peter K. Rogan Lab, Western University
No classification provided (evidence only). Condition: Thyroid cancer, nonmedullary, 1. Review status: no classification provided. Collection method: in vitro. Allele origin: not applicable. Functional consequence: retained intron. Not counted in ClinVar's aggregate classification.